The following is an entry in ClinVar:

NM_001005361.3(DNM2):c.2608G>A (p.Asp870Asn)

Gene: DNM2 (dynamin 2; plus strand). Cytogenetic location: 19p13.2.
Variant type: single nucleotide variant.
Coding change: c.2608G>A on transcript NM_001005361.3 (MANE Select); coding-DNA position 2608, G replaced by A.
Protein change: p.Asp870Asn; replaces aspartic acid 870 with asparagine.
Molecular consequence: missense variant.
Genome position (GRCh38, 1-based): chr19:10,831,042, G>A. VCF-style: chr19-10831042-G-A. GRCh37 (hg19) VCF-style: chr19-10941718-G-A.
Other names: c.2608G>A, p.Asp870Asn (NM_001005360.3); c.2596G>A, p.Asp866Asn (NM_001005362.3, NM_004945.4); c.2605G>A, p.Asp869Asn (NM_001190716.2); short protein forms D866N, D870N, D869N.
Identifiers: ClinVar variation 3705017 (VCV003705017.2).

ClinVar aggregate classification (germline): Uncertain significance (1 of 4 stars; one submission).

Conditions:
Charcot-Marie-Tooth disease dominant intermediate B (CMTDIB). Also called: CHARCOT-MARIE-TOOTH NEUROPATHY, DOMINANT INTERMEDIATE B; Charcot-Marie-Tooth disease dominant intermediate 1; CMT DI1; Charcot-Marie-Tooth disease dominant intermediate I. Identifiers: Orphanet 100044, Orphanet 228179, MedGen C1847902, MONDO:0011674, OMIM 606482.

Submission:

Labcorp Genetics (formerly Invitae), Labcorp
Classification: Uncertain significance for Charcot-Marie-Tooth disease dominant intermediate B. Last evaluated: 2024-09-02. Review status: criteria provided, single submitter. Criteria: Invitae Variant Classification Sherloc (09022015). Collection method: clinical testing. Allele origin: germline.
Comment: This sequence change replaces aspartic acid, which is acidic and polar, with asparagine, which is neutral and polar, at codon 870 of the DNM2 protein (p.Asp870Asn). The frequency data for this variant in the population databases is considered unreliable, as metrics indicate poor data quality at this position in the gnomAD database. This variant has not been reported in the literature in individuals affected with DNM2-related conditions. Invitae Evidence Modeling of protein sequence and biophysical properties (such as structural, functional, and spatial information, amino acid conservation, physicochemical variation, residue mobility, and thermodynamic stability) has been performed for this missense variant. However, the output from this modeling did not meet the statistical confidence thresholds required to predict the impact of this variant on DNM2 protein function. In summary, the available evidence is currently insufficient to determine the role of this variant in disease. Therefore, it has been classified as a Variant of Uncertain Significance.